The following is an entry in ClinVar:

NC_000011.9:g.(?_66290917)_(66294288_?)dup

Gene: BBS1 (Bardet-Biedl syndrome 1; plus strand). Cytogenetic location: 11q13.2.
Variant type: Duplication.
Identifiers: ClinVar variation 1524792 (VCV001524792.4).

ClinVar aggregate classification (germline): Likely pathogenic (1 of 4 stars; one submission).

Conditions:
Bardet-Biedl syndrome (BBS). Identifiers: Orphanet 110, MedGen C0752166, MONDO:0015229.

Submission:

Labcorp Genetics (formerly Invitae), Labcorp
Classification: Likely pathogenic for Bardet-Biedl syndrome. Last evaluated: 2021-01-20. Review status: criteria provided, single submitter. Criteria: Invitae Variant Classification Sherloc (09022015). Collection method: clinical testing. Allele origin: germline.
Comment: In summary, the currently available evidence indicates that the variant is pathogenic, but additional data are needed to prove that conclusively. Therefore, this variant has been classified as Likely Pathogenic. This variant has not been reported in the literature in individuals with BBS1-related conditions. This variant results in a copy number gain of the genomic region encompassing exon(s) 10-13 of the BBS1 gene. While the exact position of this variant cannot be determined from the data, sub-genic copy number gains are generally in tandem (PMID: 25640679). This variant is predicted to be out-of-frame, and may result in an absent or disrupted protein product. Loss-of-function variants in BBS1 are known to be pathogenic (PMID: 12118255).

Literature cited by the submitters: PubMed 25640679; PubMed 12118255.